The following is an entry in ClinVar:

ClinVar aggregate classification (germline): Uncertain significance (1 of 4 stars; one submission).

Allele frequency attached by ClinVar (database versions not stated): gnomAD exomes below 0.00001; gnomAD 0.00001.

Submission:

GeneDx
Classification: Uncertain significance. Last evaluated: 2022-04-11. Review status: criteria provided, single submitter. Criteria: GeneDx Variant Classification Process June 2021. Collection method: clinical testing. Allele origin: germline. Affected: yes.
Comment: Describes a nucleotide substitution 17 base pairs upstream of the CDKN1B ATG translational start site in the 5' untranslated region (UTR); Nucleotide substitution has no predicted effect on splicing and is not conserved across species; Not observed at significant frequency in large population cohorts (gnomAD); Has not been previously published as pathogenic or benign to our knowledge

NM_004064.5(CDKN1B):c.-17G>A

Gene: CDKN1B (cyclin dependent kinase inhibitor 1B; plus strand). Cytogenetic location: 12p13.1.
Variant type: single nucleotide variant.
Coding change: c.-17G>A on transcript NM_004064.5 (MANE Select); 17 bases upstream of the start codon, G replaced by A.
Molecular consequence: 5 prime UTR variant.
Genome position (GRCh38, 1-based): chr12:12,717,823, G>A. VCF-style: chr12-12717823-G-A. GRCh37 (hg19) VCF-style: chr12-12870757-G-A.
Identifiers: ClinVar variation 1710714 (VCV001710714.2), dbSNP rs1946484698, ClinGen allele CA944840035.